The following is an entry in ClinVar:

NM_000179.3(MSH6):c.3556+1del

Gene: MSH6 (mutS homolog 6; plus strand). Cytogenetic location: 2p16.3.
Variant type: Deletion.
Coding change: c.3556+1del on transcript NM_000179.3 (MANE Select); the canonical splice donor site of the intron after coding-DNA position 3556, one base deleted (G; older notation c.3556+1delG).
Molecular consequence: splice donor variant.
Genome position (GRCh38, 1-based): chr2:47,805,028, G deleted; the last of 2 consecutive G bases (chr2:47,805,027-47,805,028); deleting either gives the same sequence. VCF-style (leftmost placement, unchanged base first): chr2-47805026-AG-A. GRCh37 (hg19) VCF-style: chr2-48032165-AG-A.
Other names: c.3556+1delG (NM_000179.2); c.3556+1del (NM_001406809.1, NM_001406796.1, NM_001406808.1 and 1 more transcripts); c.2650+1del (NM_001406811.1, NM_001406814.1, NM_001281493.2 and 6 more transcripts); c.3259+1del (NM_001406805.1, NM_001406797.1, NM_001406801.1 and 10 more transcripts); c.3652+1del (NM_001406795.1, NM_001406802.1); c.3562+1del (NM_001406813.1); c.3031+1del (NM_001406807.1, NM_001406799.1, NM_001406806.1); c.3382+1del (NM_001406798.1); and 8 more.
Identifiers: ClinVar variation 418872 (VCV000418872.17), dbSNP rs1064793489, ClinGen allele CA16617702.

ClinVar aggregate classification (germline): Pathogenic/Likely pathogenic. Review status: criteria provided, multiple submitters, no conflicts (2 of 4 stars). 6 submissions from 6 submitters: Pathogenic (3); Likely pathogenic (3). Last evaluated 2025-07-16.

Conditions:
Hereditary nonpolyposis colorectal neoplasms. Identifiers: MedGen C0009405, MeSH D003123.
Lynch syndrome. Identifiers: Orphanet 144, MedGen C4552100, MONDO:0005835. Disease mechanism: loss of function.
Lynch syndrome 5 (LYNCH5). Also called: Hereditary non-polyposis colorectal cancer, type 5; Colorectal cancer, hereditary nonpolyposis, type 5. Identifiers: Orphanet 144, MedGen C1833477, MONDO:0013710, OMIM 614350. Disease mechanism: loss of function.
Endometrial carcinoma. Also called: Endometrial carcinoma, somatic. Identifiers: MedGen C0476089, MONDO:0002447, OMIM 608089, HP:0012114.
Hereditary cancer-predisposing syndrome. Also called: Hereditary neoplastic syndrome; Tumor predisposition; Neoplastic Syndromes, Hereditary; Hereditary Cancer Syndrome. Identifiers: Orphanet 140162, MedGen C0027672, MeSH D009386, MONDO:0015356.

Submissions (6):

GeneDx
Classification: Pathogenic. Last evaluated: 2025-07-16. Review status: criteria provided, single submitter. Criteria: GeneDx Variant Classification Process June 2021. Collection method: clinical testing. Allele origin: germline. Affected: yes.
Comment: Canonical splice site variant predicted to result in a null allele in a gene for which loss of function is a known mechanism of disease; Has not been previously published as pathogenic or benign to our knowledge; Not observed at significant frequency in large population cohorts (gnomAD); This variant is associated with the following publications: (PMID: 26436112)

Labcorp Genetics (formerly Invitae), Labcorp
Classification: Pathogenic for Hereditary nonpolyposis colorectal neoplasms. Last evaluated: 2024-11-11. Review status: criteria provided, single submitter. Criteria: Invitae Variant Classification Sherloc (09022015). Collection method: clinical testing. Allele origin: germline.
Comment: This sequence change affects a splice site in intron 6 of the MSH6 gene. It is expected to disrupt RNA splicing. Variants that disrupt the donor or acceptor splice site typically lead to a loss of protein function (PMID: 16199547), and loss-of-function variants in MSH6 are known to be pathogenic (PMID: 18269114, 24362816). This variant is not present in population databases (gnomAD no frequency). Disruption of this splice site has been observed in individual(s) with ovarian cancer (PMID: 26436112). This variant is also known as IVS6+1del. ClinVar contains an entry for this variant (Variation ID: 418872). Studies have shown that disruption of this splice site alters MSH6 gene expression (PMID: 26436112). Algorithms developed to predict the effect of sequence changes on RNA splicing suggest that this variant may disrupt the consensus splice site. For these reasons, this variant has been classified as Pathogenic.

Baylor Genetics
Classification: Likely pathogenic for Endometrial carcinoma. Last evaluated: 2023-12-18. Review status: criteria provided, single submitter. Criteria: ACMG Guidelines, 2015. Collection method: clinical testing. Allele origin: unknown.

Myriad Genetics, Inc.
Classification: Likely pathogenic for Lynch syndrome 5. Last evaluated: 2023-08-24. Review status: criteria provided, single submitter. Criteria: Myriad Autosomal Dominant, Autosomal Recessive and X-Linked Classification Criteria (2023). Collection method: clinical testing. Allele origin: unknown.
Comment: This variant is considered likely pathogenic. This variant occurs within a consensus splice junction and is predicted to result in abnormal mRNA splicing of either an out-of-frame exon or an in-frame exon necessary for protein stability and/or normal function.

Ambry Genetics
Classification: Pathogenic for Hereditary cancer-predisposing syndrome. Last evaluated: 2022-05-26. Review status: criteria provided, single submitter. Criteria: Ambry Variant Classification Scheme 2023. Collection method: clinical testing. Allele origin: germline.
Comment: The c.3556+1delG intronic pathogenic mutation, located in intron 6 of the MSH6 gene, results from a deletion of one nucleotide within intron 6 of the MSH6 gene. This variant has been identified in probands whose Lynch syndrome-associated tumors demonstrated high microsatellite instability and loss of MSH6 expression by immunohistochemistry (Ambry internal data). This variant is considered to be rare based on population cohorts in the Genome Aggregation Database (gnomAD). In silico splice site analysis predicts that this alteration will weaken the native splice donor site and may result in the creation or strengthening of a novel splice donor site. RNA studies have demonstrated that this alteration results in abnormal splicing in the set of samples tested (Ambry internal data). Alterations that disrupt the canonical splice site are expected to cause aberrant splicing, resulting in an abnormal protein or a transcript that is subject to nonsense-mediated mRNA decay. As such, this alteration is classified as a disease-causing mutation.

Women's Health and Genetics/Laboratory Corporation of America, LabCorp
Classification: Likely pathogenic for Hereditary nonpolyposis colon cancer. Last evaluated: 2016-08-11. Review status: criteria provided, single submitter. Criteria: LabCorp Variant Classification Summary - May 2015. Collection method: clinical testing. Allele origin: germline.
Comment: Variant summary: The MSH6 c.3556+1delG variant involves the alteration of a conserved intronic nucleotide. One in silico tool predicts a damaging outcome for this variant. 5/5 splice prediction tools predict loss/weakening effect on the canonical splicing donor site and ESEfinder predict changes of binding motifs for RNA splicing enhancers. However, these predictions have yet to be confirmed by functional studies. This variant is absent in 120962 control chromosomes. The variant of interest has not, to our knowledge, been reported in affected individuals via publications and/or reputable databases/clinical diagnostic laboratories; nor evaluated for functional impact by in vivo/vitro studies. Taken together, this variant is classified as likely pathogenic.

Literature cited by the submitters: PubMed 16199547 (cited by Labcorp Genetics (formerly Invitae), Labcorp); PubMed 18269114 (cited by Labcorp Genetics (formerly Invitae), Labcorp); PubMed 24362816 (cited by Labcorp Genetics (formerly Invitae), Labcorp); PubMed 26436112 (cited by Labcorp Genetics (formerly Invitae), Labcorp).